The following is an entry in ClinVar:

NM_005859.5(PURA):c.123_128dup (p.Ser43_Gly44dup)

Gene: PURA (purine rich element binding protein A; plus strand). Cytogenetic location: 5q31.3.
Variant type: Duplication.
Coding change: c.123_128dup on transcript NM_005859.5 (MANE Select); coding-DNA positions 123 to 128, 6 bases duplicated (CGGCAG; older notation c.123_128dupCGGCAG).
Protein change: p.Ser43_Gly44dup.
Molecular consequence: inframe insertion.
Genome position (GRCh38, 1-based): chr5:140,114,304-140,114,309, CGGCAG duplicated; duplicating any 6 consecutive bases within chr5:140,114,303-140,114,309 gives the same sequence; the c. name uses the placement nearest the transcript's 3' end. VCF-style (leftmost placement, unchanged base first): chr5-140114302-G-GGCGGCA. GRCh37 (hg19) VCF-style: chr5-139493887-G-GGCGGCA.
Other names: c.123_128dupCGGCAG (NM_005859.4).
Identifiers: ClinVar variation 436450 (VCV000436450.32), dbSNP rs1039658835, ClinGen allele CA128789396.

ClinVar aggregate classification (germline): Likely benign. Review status: criteria provided, multiple submitters, no conflicts (2 of 4 stars). 4 submissions from 4 submitters: Likely benign (4). Last evaluated 2026-01-04.

Conditions:
PURA-related severe neonatal hypotonia-seizures-encephalopathy syndrome (NEDRIHF). Also called: NEURODEVELOPMENTAL DISORDER WITH NEONATAL RESPIRATORY INSUFFICIENCY, HYPOTONIA, AND FEEDING DIFFICULTIES; PURA-Related Neurodevelopmental Disorders. Identifiers: Orphanet 438213, Orphanet 438216, MedGen C4015357, MONDO:1060108, OMIM 616158, MONDO:0018580.

Submissions (4):

Labcorp Genetics (formerly Invitae), Labcorp
Classification: Likely benign for PURA-related severe neonatal hypotonia-seizures-encephalopathy syndrome. Last evaluated: 2026-01-04. Review status: criteria provided, single submitter. Criteria: Invitae Variant Classification Sherloc (09022015). Collection method: clinical testing. Allele origin: germline.

CeGaT Center for Human Genetics Tuebingen
Classification: Likely benign. Last evaluated: 2024-12-01. Review status: criteria provided, single submitter. Criteria: CeGaT Center For Human Genetics Tuebingen Variant Classification Criteria Version 2. Collection method: clinical testing. Allele origin: germline. Affected: yes. Observed: 1 variant allele.
Comment: PURA: BP3

GeneDx
Classification: Likely benign. Last evaluated: 2021-10-16. Review status: criteria provided, single submitter. Criteria: GeneDx Variant Classification Process June 2021. Collection method: clinical testing. Allele origin: germline. Affected: yes.
Comment: In-frame insertion in a repetitive region with no known function; Has not been previously published as pathogenic or benign to our knowledge

Genetic Services Laboratory, University of Chicago
Classification: Likely benign. Last evaluated: 2016-04-07. Review status: criteria provided, single submitter. Criteria: ACMG Guidelines, 2015. Collection method: clinical testing. Allele origin: germline. Affected: no.